The following is an entry in ClinVar:

ClinVar aggregate classification (germline): Uncertain significance. Review status: criteria provided, multiple submitters, no conflicts (2 of 4 stars). 3 submissions from 3 submitters: Uncertain significance (2). 1 of the submissions does not count toward it. Last evaluated 2022-03-19.

Conditions:
Neuronal ceroid lipofuscinosis 1 (CLN1). Also called: CEROID LIPOFUSCINOSIS, NEURONAL, 1, VARIABLE AGE AT ONSET; PPT1-Related Neuronal Ceroid-Lipofuscinosis. Identifiers: Orphanet 228329, MedGen C1850451, MONDO:0009744, OMIM 256730.

Allele frequency attached by ClinVar (database versions not stated): gnomAD exomes below 0.00001; ExAC 0.00001; gnomAD 0.00001; TOPMed 0.00003.
gnomAD v4.1: 4 of 1,613,894 alleles (0.00025%); highest among the groups gnomAD compares: African/African-American, 0.004%; no homozygotes.

Submissions (3):

Labcorp Genetics (formerly Invitae), Labcorp
Classification: Uncertain significance for Neuronal ceroid lipofuscinosis 1. Last evaluated: 2022-03-19. Review status: criteria provided, single submitter. Criteria: Invitae Variant Classification Sherloc (09022015). Collection method: clinical testing. Allele origin: germline.
Comment: This sequence change replaces histidine, which is basic and polar, with tyrosine, which is neutral and polar, at codon 158 of the PPT1 protein (p.His158Tyr). This variant is present in population databases (rs754525635, gnomAD 0.008%). This variant has not been reported in the literature in individuals affected with PPT1-related conditions. ClinVar contains an entry for this variant (Variation ID: 497202). Algorithms developed to predict the effect of missense changes on protein structure and function are either unavailable or do not agree on the potential impact of this missense change (SIFT: "Tolerated"; PolyPhen-2: "Possibly Damaging"; Align-GVGD: "Class C0"). In summary, the available evidence is currently insufficient to determine the role of this variant in disease. Therefore, it has been classified as a Variant of Uncertain Significance.

Eurofins Ntd Llc (ga)
Classification: Uncertain significance. Last evaluated: 2016-10-04. Review status: criteria provided, single submitter. Criteria: EGL Classification Definitions 2015. Collection method: clinical testing. Allele origin: germline. Observed: 1 variant allele, 1 heterozygote.

Natera, Inc.
Classification: Uncertain significance for Neuronal ceroid lipofuscinosis 1. Last evaluated: 2020-12-03. Review status: no assertion criteria provided. Collection method: clinical testing. Allele origin: germline. Not counted in ClinVar's aggregate classification.

NM_000310.4(PPT1):c.472C>T (p.His158Tyr)

Gene: PPT1 (palmitoyl-protein thioesterase 1; minus strand). Cytogenetic location: 1p34.2.
Variant type: single nucleotide variant.
Coding change: c.472C>T on transcript NM_000310.4 (MANE Select); coding-DNA position 472, C replaced by T.
Protein change: p.His158Tyr; replaces histidine 158 with tyrosine.
Molecular consequence: missense variant.
Genome position (GRCh38, 1-based): chr1:40,089,474, G>A on the plus strand (C>T on the coding strand, the complement: PPT1 is on the minus strand). VCF-style: chr1-40089474-G-A. GRCh37 (hg19) VCF-style: chr1-40555146-G-A.
Other names: c.163C>T, p.His55Tyr (NM_001142604.2); c.472C>T, p.His158Tyr (NM_001363695.2); short protein forms H158Y, H55Y.
Identifiers: ClinVar variation 497202 (VCV000497202.12), dbSNP rs754525635, ClinGen allele CA789680.